The following is an entry in ClinVar:

NM_001085411.3(NADK2):c.965A>G (p.Asn322Ser)

Gene: NADK2 (NAD kinase 2, mitochondrial; minus strand). Cytogenetic location: 5p13.2.
Variant type: single nucleotide variant.
Coding change: c.965A>G on transcript NM_001085411.3 (MANE Select); coding-DNA position 965, A replaced by G.
Protein change: p.Asn322Ser; replaces asparagine 322 with serine.
Molecular consequence: missense variant.
Genome position (GRCh38, 1-based): chr5:36,201,153, T>C on the plus strand (A>G on the coding strand, the complement: NADK2 is on the minus strand). VCF-style: chr5-36201153-T-C. GRCh37 (hg19) VCF-style: chr5-36201255-T-C.
Other names: c.476A>G, p.Asn159Ser (NM_001287340.2, NM_153013.5); c.542A>G, p.Asn181Ser (NM_001287341.2); short protein forms N159S, N322S, N181S.
Identifiers: ClinVar variation 2904468 (VCV002904468.3), dbSNP rs368604790, ClinGen allele CA3234557.

ClinVar aggregate classification (germline): Uncertain significance (1 of 4 stars; one submission).

Conditions:
Progressive encephalopathy with leukodystrophy due to DECR deficiency. Identifiers: Orphanet 431361, MedGen C1857252, MONDO:0014464, OMIM 616034.

Allele frequency attached by ClinVar (database versions not stated): gnomAD 0.00001; gnomAD exomes 0.00002; TOPMed 0.00002; ExAC 0.00003; ESP Exome Variant Server 0.00008.
gnomAD v4.1: 28 of 1,611,532 alleles (0.0017%); highest among the groups gnomAD compares: South Asian, 0.0077%; no homozygotes.

Submission:

Labcorp Genetics (formerly Invitae), Labcorp
Classification: Uncertain significance for Progressive encephalopathy with leukodystrophy due to DECR deficiency. Last evaluated: 2025-11-24. Review status: criteria provided, single submitter. Criteria: Invitae Variant Classification Sherloc (09022015). Collection method: clinical testing. Allele origin: germline.
Comment: This sequence change replaces asparagine, which is neutral and polar, with serine, which is neutral and polar, at codon 322 of the NADK2 protein (p.Asn322Ser). This variant is present in population databases (rs368604790, gnomAD 0.01%). This variant has not been reported in the literature in individuals affected with NADK2-related conditions. ClinVar contains an entry for this variant (Variation ID: 2904468). Invitae Evidence Modeling of protein sequence and biophysical properties (such as structural, functional, and spatial information, amino acid conservation, physicochemical variation, residue mobility, and thermodynamic stability) indicates that this missense variant is not expected to disrupt NADK2 protein function with a negative predictive value of 80%. In summary, the available evidence is currently insufficient to determine the role of this variant in disease. Therefore, it has been classified as a Variant of Uncertain Significance.